The following is an entry in ClinVar:

NM_016562.4(TLR7):c.2153T>G (p.Leu718Ter)

Gene: TLR7 (toll like receptor 7; plus strand). Cytogenetic location: Xp22.2.
Variant type: single nucleotide variant.
Coding change: c.2153T>G on transcript NM_016562.4 (MANE Select); coding-DNA position 2153, T replaced by G.
Protein change: p.Leu718Ter; replaces leucine 718 with a stop codon.
Molecular consequence: nonsense.
Genome position (GRCh38, 1-based): chrX:12,887,661, T>G. VCF-style: chrX-12887661-T-G. GRCh37 (hg19) VCF-style: chrX-12905780-T-G.
Other names: short protein forms L718*.
Identifiers: ClinVar variation 2838795 (VCV002838795.3), dbSNP rs2518438910, ClinGen allele CA412409598.

ClinVar aggregate classification (germline): Uncertain significance (1 of 4 stars; one submission).

Submission:

Labcorp Genetics (formerly Invitae), Labcorp
Classification: Uncertain significance. Last evaluated: 2023-12-11. Review status: criteria provided, single submitter. Criteria: Invitae Variant Classification Sherloc (09022015). Collection method: clinical testing. Allele origin: germline.
Comment: This sequence change creates a premature translational stop signal (p.Leu718*) in the TLR7 gene. While this is not anticipated to result in nonsense mediated decay, it is expected to disrupt the last 332 amino acid(s) of the TLR7 protein. This variant is not present in population databases (gnomAD no frequency). This variant has not been reported in the literature in individuals affected with TLR7-related conditions. Experimental studies and prediction algorithms are not available or were not evaluated, and the functional significance of this variant is currently unknown. In summary, the available evidence is currently insufficient to determine the role of this variant in disease. Therefore, it has been classified as a Variant of Uncertain Significance.